The following is an entry in ClinVar:

ClinVar aggregate classification (germline): Uncertain significance. Review status: criteria provided, multiple submitters, no conflicts (2 of 4 stars). 2 submissions from 2 submitters: Uncertain significance (2). Last evaluated 2024-05-17.

Conditions:
Hereditary cancer-predisposing syndrome. Also called: Hereditary neoplastic syndrome; Tumor predisposition; Neoplastic Syndromes, Hereditary; Hereditary Cancer Syndrome. Identifiers: Orphanet 140162, MedGen C0027672, MeSH D009386, MONDO:0015356.

Submissions (2):

Ambry Genetics
Classification: Uncertain significance for Hereditary cancer-predisposing syndrome. Last evaluated: 2024-05-17. Review status: criteria provided, single submitter. Criteria: Ambry Variant Classification Scheme 2023. Collection method: clinical testing. Allele origin: germline.
Comment: The p.Q1625E variant (also known as c.4873C>G), located in coding exon 37 of the POLE gene, results from a C to G substitution at nucleotide position 4873. The glutamine at codon 1625 is replaced by glutamic acid, an amino acid with highly similar properties. This amino acid position is conserved. In addition, the in silico prediction for this alteration is inconclusive. Based on the available evidence, the clinical significance of this variant remains unclear.

GeneDx
Classification: Uncertain significance. Last evaluated: 2016-03-17. Review status: criteria provided, single submitter. Criteria: GeneDx Variant Classification (06012015). Collection method: clinical testing. Allele origin: germline. Affected: yes.
Comment: This variant is denoted POLE c.4873C>G at the cDNA level, p.Gln1625Glu (Q1625E) at the protein level, and results in the change of a Glutamine to a Glutamic Acid (CAG>GAG). This variant has not, to our knowledge, been published in the literature as pathogenic or benign. POLE Gln1625Glu was not observed in approximately 6,500 individuals of European and African American ancestry in the NHLBI Exome Sequencing Project, suggesting it is not a common benign variant in these populations. Since Glutamine and Glutamic Acid differ in some properties, this is considered a semi-conservative amino acid substitution. POLE Gln1625Glu occurs at a position that is conserved across species and is not located in a known functional domain (Tahirov 2009, Preston 2010, UniProt). In silico analyses predict that this variant is probably damaging to protein structure and function. Based on currently available evidence, it is unclear whether POLE Gln1625Glu is a pathogenic or benign variant. We consider it to be a variant of uncertain significance.

NM_006231.4(POLE):c.4873C>G (p.Gln1625Glu)

Gene: POLE (DNA polymerase epsilon, catalytic subunit; minus strand). Cytogenetic location: 12q24.33.
Variant type: single nucleotide variant.
Coding change: c.4873C>G on transcript NM_006231.4 (MANE Select); coding-DNA position 4873, C replaced by G.
Protein change: p.Gln1625Glu; replaces glutamine 1625 with glutamic acid.
Molecular consequence: missense variant.
Genome position (GRCh38, 1-based): chr12:132,642,585, G>C on the plus strand (C>G on the coding strand, the complement: POLE is on the minus strand). VCF-style: chr12-132642585-G-C. GRCh37 (hg19) VCF-style: chr12-133219171-G-C.
Other names: short protein forms Q1625E.
Identifiers: ClinVar variation 420702 (VCV000420702.3), dbSNP rs1064794648, ClinGen allele CA16619460.